The following is an entry in ClinVar:

ClinVar aggregate classification (germline): Uncertain significance (1 of 4 stars; one submission).

Allele frequency attached by ClinVar (database versions not stated): TOPMed 0.00004; gnomAD 0.00002; gnomAD exomes 0.00001.
gnomAD v4.1: 11 of 1,204,061 alleles (0.00091%); highest among the groups gnomAD compares: East Asian, 0.003%; no homozygotes.

Submission:

Labcorp Genetics (formerly Invitae), Labcorp
Classification: Uncertain significance. Last evaluated: 2025-12-20. Review status: criteria provided, single submitter. Criteria: Invitae Variant Classification Sherloc (09022015). Collection method: clinical testing. Allele origin: germline.
Comment: This sequence change replaces alanine, which is neutral and non-polar, with threonine, which is neutral and polar, at codon 371 of the FRMD7 protein (p.Ala371Thr). The frequency data for this variant in the population databases is considered unreliable, as metrics indicate poor data quality at this position in the gnomAD database. This variant has not been reported in the literature in individuals affected with FRMD7-related conditions. ClinVar contains an entry for this variant (Variation ID: 1471666). An algorithm developed to predict the effect of missense changes on protein structure and function outputs the following: PolyPhen-2: "Benign". The threonine amino acid residue is found in multiple mammalian species, which suggests that this missense change does not adversely affect protein function. In summary, the available evidence is currently insufficient to determine the role of this variant in disease. Therefore, it has been classified as a Variant of Uncertain Significance.

NM_194277.3(FRMD7):c.1111G>A (p.Ala371Thr)

Gene: FRMD7 (FERM domain containing 7; minus strand). Cytogenetic location: Xq26.2.
Variant type: single nucleotide variant.
Coding change: c.1111G>A on transcript NM_194277.3 (MANE Select); coding-DNA position 1111, G replaced by A.
Protein change: p.Ala371Thr; replaces alanine 371 with threonine.
Molecular consequence: missense variant.
Genome position (GRCh38, 1-based): chrX:132,078,906, C>T on the plus strand (G>A on the coding strand, the complement: FRMD7 is on the minus strand). VCF-style: chrX-132078906-C-T. GRCh37 (hg19) VCF-style: chrX-131212934-C-T.
Other names: c.1066G>A, p.Ala356Thr (NM_001306193.2); short protein forms A371T, A356T.
Identifiers: ClinVar variation 1471666 (VCV001471666.6), dbSNP rs901917911, ClinGen allele CA335857502.